The following is an entry in ClinVar:

ClinVar aggregate classification (germline): Uncertain significance. Review status: criteria provided, multiple submitters, no conflicts (2 of 4 stars). 2 submissions from 2 submitters: Uncertain significance (2). Last evaluated 2023-10-01.

Conditions:
Hereditary cancer-predisposing syndrome. Also called: Tumor predisposition; Hereditary Cancer Syndrome; Hereditary neoplastic syndrome; Neoplastic Syndromes, Hereditary. Identifiers: Orphanet 140162, MedGen C0027672, MeSH D009386, MONDO:0015356.
Endometrial carcinoma. Also called: Endometrial carcinoma, somatic. Identifiers: MedGen C0476089, MONDO:0002447, OMIM 608089, HP:0012114.

Submissions (2):

Baylor Genetics
Classification: Uncertain significance for Endometrial carcinoma. Last evaluated: 2023-10-01. Review status: criteria provided, single submitter. Criteria: ACMG Guidelines, 2015. Collection method: clinical testing. Allele origin: unknown.

Ambry Genetics
Classification: Uncertain significance for Hereditary cancer-predisposing syndrome. Last evaluated: 2022-04-29. Review status: criteria provided, single submitter. Criteria: Ambry Variant Classification Scheme 2023. Collection method: clinical testing. Allele origin: germline.
Comment: The p.A465T variant (also known as c.1393G>A), located in coding exon 4 of the MSH6 gene, results from a G to A substitution at nucleotide position 1393. The alanine at codon 465 is replaced by threonine, an amino acid with similar properties. This amino acid position is not well conserved in available vertebrate species. In addition, the in silico prediction for this alteration is inconclusive. Since supporting evidence is limited at this time, the clinical significance of this alteration remains unclear.

NM_000179.3(MSH6):c.1393G>A (p.Ala465Thr)

Gene: MSH6 (mutS homolog 6; plus strand). Cytogenetic location: 2p16.3.
Variant type: single nucleotide variant.
Coding change: c.1393G>A on transcript NM_000179.3 (MANE Select); coding-DNA position 1393, G replaced by A.
Protein change: p.Ala465Thr; replaces alanine 465 with threonine.
Molecular consequence: missense variant.
Genome position (GRCh38, 1-based): chr2:47,799,376, G>A. VCF-style: chr2-47799376-G-A. GRCh37 (hg19) VCF-style: chr2-48026515-G-A.
Other names: c.1003G>A, p.Ala335Thr (NM_001281492.2); c.487G>A, p.Ala163Thr (NM_001281493.2, NM_001281494.2); short protein forms A465T, A163T, A335T.
Identifiers: ClinVar variation 485867 (VCV000485867.6), dbSNP rs1553412810, ClinGen allele CA346745123.